The following is an entry in ClinVar:

NM_025150.5(TARS2):c.566C>A (p.Thr189Lys)

Gene: TARS2 (threonyl-tRNA synthetase 2, mitochondrial; plus strand). Cytogenetic location: 1q21.2.
Variant type: single nucleotide variant.
Coding change: c.566C>A on transcript NM_025150.5 (MANE Select); coding-DNA position 566, C replaced by A.
Protein change: p.Thr189Lys; replaces threonine 189 with lysine.
Molecular consequence: missense variant. On other transcripts: non-coding transcript variant (1).
Genome position (GRCh38, 1-based): chr1:150,491,447, C>A. VCF-style: chr1-150491447-C-A. GRCh37 (hg19) VCF-style: chr1-150463923-C-A.
Other names: c.566C>A, p.Thr189Lys (NM_001271895.2, NM_001271896.2); short protein forms T189K.
Identifiers: ClinVar variation 2190321 (VCV002190321.4), dbSNP rs141286062, ClinGen allele CA1076727.

ClinVar aggregate classification (germline): Uncertain significance (1 of 4 stars; one submission).

Allele frequency attached by ClinVar (database versions not stated): gnomAD 0.00003; ESP Exome Variant Server 0.00023.
gnomAD v4.1: 5 of 1,613,880 alleles (0.00031%); highest among the groups gnomAD compares: African/African-American, 0.0067%; no homozygotes.

Submission:

Labcorp Genetics (formerly Invitae), Labcorp
Classification: Uncertain significance. Last evaluated: 2022-06-05. Review status: criteria provided, single submitter. Criteria: Invitae Variant Classification Sherloc (09022015). Collection method: clinical testing. Allele origin: germline.
Comment: This variant has not been reported in the literature in individuals affected with TARS2-related conditions. This variant is present in population databases (rs141286062, gnomAD 0.02%). This sequence change replaces threonine, which is neutral and polar, with lysine, which is basic and polar, at codon 189 of the TARS2 protein (p.Thr189Lys). Algorithms developed to predict the effect of missense changes on protein structure and function are either unavailable or do not agree on the potential impact of this missense change (SIFT: "Deleterious"; PolyPhen-2: "Benign"; Align-GVGD: "Class C0"). In summary, the available evidence is currently insufficient to determine the role of this variant in disease. Therefore, it has been classified as a Variant of Uncertain Significance.